The following is an entry in ClinVar:

NM_024496.4(IRF2BPL):c.98C>G (p.Pro33Arg)

Genes: IRF2BPL (interferon regulatory factor 2 binding protein like; minus strand), LOC107984638 (uncharacterized LOC107984638; plus strand). Cytogenetic location: 14q24.3.
Variant type: single nucleotide variant.
Coding change: c.98C>G on transcript NM_024496.4 (MANE Select); coding-DNA position 98, C replaced by G.
Protein change: p.Pro33Arg; replaces proline 33 with arginine.
Molecular consequence: missense variant.
Genome position (GRCh38, 1-based): chr14:77,027,695, G>C on the plus strand (C>G on the coding strand, the complement: IRF2BPL is on the minus strand). VCF-style: chr14-77027695-G-C. GRCh37 (hg19) VCF-style: chr14-77494038-G-C.
Other names: short protein forms P33R.
Identifiers: ClinVar variation 3252677 (VCV003252677.2), dbSNP rs1885196330.

ClinVar aggregate classification (germline): Uncertain significance (1 of 4 stars; one submission).

Submission:

GeneDx
Classification: Uncertain significance. Last evaluated: 2025-02-04. Review status: criteria provided, single submitter. Criteria: GeneDx Variant Classification Process June 2021. Collection method: clinical testing. Allele origin: germline.
Comment: Not observed at significant frequency in large population cohorts (gnomAD); In silico analysis supports that this missense variant has a deleterious effect on protein structure/function; Has not been previously published as pathogenic or benign to our knowledge